The following is an entry in ClinVar:

ClinVar aggregate classification (germline): Uncertain significance (1 of 4 stars; one submission).

Allele frequency attached by ClinVar (database versions not stated): TOPMed below 0.00001.

Submission:

Labcorp Genetics (formerly Invitae), Labcorp
Classification: Uncertain significance. Last evaluated: 2022-04-15. Review status: criteria provided, single submitter. Criteria: Invitae Variant Classification Sherloc (09022015). Collection method: clinical testing. Allele origin: germline.
Comment: This sequence change replaces threonine, which is neutral and polar, with methionine, which is neutral and non-polar, at codon 95 of the GPAA1 protein (p.Thr95Met). This variant is not present in population databases (gnomAD no frequency). This variant has not been reported in the literature in individuals affected with GPAA1-related conditions. Algorithms developed to predict the effect of missense changes on protein structure and function (SIFT, PolyPhen-2, Align-GVGD) all suggest that this variant is likely to be tolerated. In summary, the available evidence is currently insufficient to determine the role of this variant in disease. Therefore, it has been classified as a Variant of Uncertain Significance.

NM_003801.4(GPAA1):c.284C>T (p.Thr95Met)

Gene: GPAA1 (glycosylphosphatidylinositol anchor attachment 1; plus strand). Cytogenetic location: 8q24.3.
Variant type: single nucleotide variant.
Coding change: c.284C>T on transcript NM_003801.4 (MANE Select); coding-DNA position 284, C replaced by T.
Protein change: p.Thr95Met; replaces threonine 95 with methionine.
Molecular consequence: missense variant.
Genome position (GRCh38, 1-based): chr8:144,083,418, C>T. VCF-style: chr8-144083418-C-T. GRCh37 (hg19) VCF-style: chr8-145138321-C-T.
Other names: short protein forms T95M.
Identifiers: ClinVar variation 2078750 (VCV002078750.2), dbSNP rs1835941071, ClinGen allele CA372597943.
Genomic context (GRCh38, chr8:144,083,418, plus strand): 5'-CTCTGCTCAGAGGCTCCCTTCGTGTCTGCAGGGCTCTGCCAGTGGCCTGGCTTGAACGGA[C>T]GATGCGGTCAGTAGGGCTGGAGGTCTACACGCAGAGTTTCTCCCGGAAACTGCCCTTCCC-3'
Protein context (NP_003792.1, residues 85-105): GALPVAWLER[Thr95Met]MRSVGLEVYT